The following is an entry in ClinVar:

ClinVar aggregate classification (germline): Conflicting classifications of pathogenicity. Review status: criteria provided, conflicting classifications (1 of 4 stars). 5 submissions from 5 submitters: Uncertain significance (1); Likely benign (2). 2 of the submissions do not count toward it. Last evaluated 2025-12-01.

Conditions:
SPRY4-related disorder. Also called: SPRY4-related condition.
Hypogonadotropic hypogonadism 17 with or without anosmia (HH17). Also called: HYPOGONADOTROPIC HYPOGONADISM 17 WITH ANOSMIA; HYPOGONADOTROPIC HYPOGONADISM 17 WITHOUT ANOSMIA; HYPOGONADOTROPIC HYPOGONADISM 17 WITH OR WITHOUT ANOSMIA, SUSCEPTIBILITY TO. Identifiers: Orphanet 478, MedGen C3808971, MONDO:0014102, OMIM 615266.

Allele frequency attached by ClinVar (database versions not stated): TOPMed 0.00114; gnomAD 0.00120 and 0.00122; ExAC 0.00160; gnomAD exomes 0.00160 and 0.00241; ESP Exome Variant Server 0.00215; 1000 Genomes Project 30x 0.00078; 1000 Genomes Project 0.00080.
gnomAD v4.1: 3,661 of 1,614,212 alleles (0.23%); highest among the groups gnomAD compares: South Asian, 0.28%; 6 homozygotes.

Submissions (5):

CeGaT Center for Human Genetics Tuebingen
Classification: Likely benign. Last evaluated: 2025-12-01. Review status: criteria provided, single submitter. Criteria: CeGaT Center For Human Genetics Tuebingen Variant Classification Criteria Version 2. Collection method: clinical testing. Allele origin: germline. Affected: yes. Observed: 2 variant alleles.
Comment: SPRY4: BS2

Labcorp Genetics (formerly Invitae), Labcorp
Classification: Likely benign. Last evaluated: 2025-11-03. Review status: criteria provided, single submitter. Criteria: Invitae Variant Classification Sherloc (09022015). Collection method: clinical testing. Allele origin: germline.

Eurofins Ntd Llc (ga)
Classification: Uncertain significance. Last evaluated: 2015-10-12. Review status: criteria provided, single submitter. Criteria: EGL Classification Definitions 2015. Collection method: clinical testing. Allele origin: germline. Observed: 1 variant allele, 1 heterozygote.

PreventionGenetics, part of Exact Sciences
Classification: Likely benign for SPRY4-related condition. Last evaluated: 2022-02-12. Review status: no assertion criteria provided. Collection method: clinical testing. Allele origin: germline. Not counted in ClinVar's aggregate classification.
Comment: This variant is classified as likely benign based on ACMG/AMP sequence variant interpretation guidelines (Richards et al. 2015 PMID: 25741868, with internal and published modifications).

OMIM
Classification: Pathogenic for HYPOGONADOTROPIC HYPOGONADISM 17 WITH ANOSMIA. Last evaluated: 2013-05-02. Review status: no assertion criteria provided. Collection method: literature only. Allele origin: germline. Not counted in ClinVar's aggregate classification.

Literature cited by the submitters: PubMed 23643382 (cited by OMIM).

NM_001127496.3(SPRY4):c.461A>G (p.Lys154Arg)

Gene: SPRY4 (sprouty RTK signaling antagonist 4; minus strand). Cytogenetic location: 5q31.3.
Variant type: single nucleotide variant.
Coding change: c.461A>G on transcript NM_001127496.3 (MANE Select); coding-DNA position 461, A replaced by G.
Protein change: p.Lys154Arg; replaces lysine 154 with arginine.
Molecular consequence: missense variant.
Genome position (GRCh38, 1-based): chr5:142,314,648, T>C on the plus strand (A>G on the coding strand, the complement: SPRY4 is on the minus strand). VCF-style: chr5-142314648-T-C. GRCh37 (hg19) VCF-style: chr5-141694213-T-C.
Other names: SPRY4, LYS177ARG (rs78310959); c.461A>G, p.Lys154Arg (NM_001293289.3, NM_001293290.3); c.530A>G, p.Lys177Arg (NM_030964.5); short protein forms K177R, K154R.
Identifiers: ClinVar variation 50872 (VCV000050872.31), dbSNP rs78310959, ClinGen allele CA143833.